The following is an entry in ClinVar:

NM_000159.4(GCDH):c.988C>T (p.Gln330Ter)

Gene: GCDH (glutaryl-CoA dehydrogenase; plus strand). Cytogenetic location: 19p13.13.
Variant type: single nucleotide variant.
Coding change: c.988C>T on transcript NM_000159.4 (MANE Select); coding-DNA position 988, C replaced by T.
Protein change: p.Gln330Ter; replaces glutamine 330 with a stop codon.
Molecular consequence: nonsense. On other transcripts: non-coding transcript variant (2).
Genome position (GRCh38, 1-based): chr19:12,897,334, C>T. VCF-style: chr19-12897334-C-T. GRCh37 (hg19) VCF-style: chr19-13008148-C-T.
Other names: c.988C>T, p.Gln330Ter (NM_013976.5); short protein forms Q330*.
Identifiers: ClinVar variation 984314 (VCV000984314.4), dbSNP rs1970707032, ClinGen allele CA404319898.
Genomic context (GRCh38, chr19:12,897,334, plus strand): 5'-TCGCTCTTACCCTGCCATTGCCCATGTAGGATGCAGTTTGGTGTCCCACTGGCCAGGAAC[C>T]AGCTGATTCAGAAGAAGCTGGCAGACATGCTCACTGAGATTACCCTGGGCCTTCACGCCT-3'

ClinVar aggregate classification (germline): Pathogenic (1 of 4 stars; one submission).

Conditions:
Glutaric aciduria, type 1. Also called: GA I; Glutaricaciduria, type I; Glutaric acidemia type I; Glutaryl-CoA dehydrogenase deficiency; Glutaricacidemia Type 1; Glutaric Acidemia Type 1. Identifiers: Orphanet 25, MedGen C0268595, MONDO:0009281, OMIM 231670.

Submission:

Myriad Genetics, Inc.
Classification: Pathogenic for Glutaric aciduria, type 1. Last evaluated: 2023-07-18. Review status: criteria provided, single submitter. Criteria: Myriad Autosomal Dominant, Autosomal Recessive and X-Linked Classification Criteria (2023). Collection method: clinical testing. Allele origin: unknown.
Comment: NM_000159.2(GCDH):c.988C>T(Q330*) is a nonsense variant classified as likely pathogenic in the context of glutaric acidemia, GCDH-related. Q330* has been observed in a case with relevant disease (PMID: 34504725). Relevant functional assessments of this variant are not available in the literature. Q330* has not been observed in referenced population frequency databases. In summary, NM_000159.2(GCDH):c.988C>T(Q330*) is a nonsense variant in a gene where loss of function is a known mechanism of disease, is predicted to disrupt protein function, and has been observed more frequently in cases with the relevant disease than in healthy populations. Please note: this variant was assessed in the context of healthy population screening.

Literature cited by the submitters: PubMed 34504725.